The following is an entry in ClinVar:

NM_005343.4(HRAS):c.395A>G (p.Asp132Gly)

Genes: HRAS (HRas proto-oncogene, GTPase; minus strand), LRRC56 (leucine rich repeat containing 56; plus strand). Cytogenetic location: 11p15.5.
Variant type: single nucleotide variant.
Coding change: c.395A>G on transcript NM_005343.4 (MANE Select); coding-DNA position 395, A replaced by G.
Protein change: p.Asp132Gly; replaces aspartic acid 132 with glycine.
Molecular consequence: missense variant.
Genome position (GRCh38, 1-based): chr11:533,508, T>C on the plus strand (A>G on the coding strand, the complement: HRAS is on the minus strand). VCF-style: chr11-533508-T-C. GRCh37 (hg19) VCF-style: chr11-533508-T-C.
Other names: c.395A>G, p.Asp132Gly (NM_176795.5, NM_001130442.3); c.76A>G, p.Thr26Ala (NM_001318054.2); short protein forms D132G, T26A.
Identifiers: ClinVar variation 2853575 (VCV002853575.3), dbSNP rs2133986850, ClinGen allele CA378922997.

ClinVar aggregate classification (germline): Uncertain significance (1 of 4 stars; one submission).

Conditions:
Costello syndrome (CSTLO). Also called: FACIOCUTANEOSKELETAL SYNDROME; FCS SYNDROME; HRAS-Related Costello Syndrome. Identifiers: Orphanet 3071, MedGen C0587248, MONDO:0009026, OMIM 218040.

Submission:

Labcorp Genetics (formerly Invitae), Labcorp
Classification: Uncertain significance for Costello syndrome. Last evaluated: 2023-04-08. Review status: criteria provided, single submitter. Criteria: Invitae Variant Classification Sherloc (09022015). Collection method: clinical testing. Allele origin: germline.
Comment: This sequence change replaces aspartic acid, which is acidic and polar, with glycine, which is neutral and non-polar, at codon 132 of the HRAS protein (p.Asp132Gly). In summary, the available evidence is currently insufficient to determine the role of this variant in disease. Therefore, it has been classified as a Variant of Uncertain Significance. Advanced modeling performed at Invitae incorporating data from internal and/or published experimental studies (Invitae) indicates that this missense variant is not expected to disrupt HRAS function. This variant has not been reported in the literature in individuals affected with HRAS-related conditions. This variant is not present in population databases (gnomAD no frequency).